The following is an entry in ClinVar:

ClinVar aggregate classification (germline): Uncertain significance (1 of 4 stars; one submission).

gnomAD v4.1: 3 of 1,613,990 alleles (0.00019%); highest among the groups gnomAD compares: African/African-American, 0.004%; no homozygotes.

Submission:

Women's Health and Genetics/Laboratory Corporation of America, LabCorp
Classification: Uncertain significance. Last evaluated: 2025-07-08. Review status: criteria provided, single submitter. Criteria: LabCorp Variant Classification Summary - May 2015. Collection method: clinical testing. Allele origin: germline.
Comment: Variant summary: KMT2C c.5572G>T (p.Ala1858Ser) results in a conservative amino acid change in the encoded protein sequence. Algorithms developed to predict the effect of missense changes on protein structure and function all suggest that this variant is likely to be tolerated. The variant allele was found at a frequency of 4e-06 in 250882 control chromosomes. The available data on variant occurrences in the general population are insufficient to allow any conclusion about variant significance. To our knowledge, no occurrence of c.5572G>T in individuals affected with Kleefstra Syndrome 2 and no experimental evidence demonstrating its impact on protein function have been reported. No submitters have cited clinical-significance assessments for this variant to ClinVar. Based on the evidence outlined above, the variant was classified as uncertain significance.

NM_170606.3(KMT2C):c.5572G>T (p.Ala1858Ser)

Gene: KMT2C (lysine methyltransferase 2C; minus strand). Cytogenetic location: 7q36.1.
Variant type: single nucleotide variant.
Coding change: c.5572G>T on transcript NM_170606.3 (MANE Select); coding-DNA position 5572, G replaced by T.
Protein change: p.Ala1858Ser; replaces alanine 1858 with serine.
Molecular consequence: missense variant.
Genome position (GRCh38, 1-based): chr7:152,182,288, C>A on the plus strand (G>T on the coding strand, the complement: KMT2C is on the minus strand). VCF-style: chr7-152182288-C-A. GRCh37 (hg19) VCF-style: chr7-151879373-C-A.
Other names: short protein forms A1858S.
Identifiers: ClinVar variation 4526092 (VCV004526092.1).